The following is an entry in ClinVar:

ClinVar aggregate classification (germline): Uncertain significance (1 of 4 stars; one submission).

Submission:

GeneDx
Classification: Uncertain significance. Last evaluated: 2025-03-26. Review status: criteria provided, single submitter. Criteria: GeneDx Variant Classification Process June 2021. Collection method: clinical testing. Allele origin: germline. Affected: yes.
Comment: Not observed at significant frequency in large population cohorts (gnomAD); Nonsense variant predicted to result in protein truncation or nonsense mediated decay in a gene or region of a gene for which loss of function is not a well-established mechanism of disease; Has not been previously published as pathogenic or benign to our knowledge

NM_018896.5(CACNA1G):c.5024G>A (p.Trp1675Ter)

Gene: CACNA1G (calcium voltage-gated channel subunit alpha1 G; plus strand). Cytogenetic location: 17q21.33.
Variant type: single nucleotide variant.
Coding change: c.5024G>A on transcript NM_018896.5 (MANE Select); coding-DNA position 5024, G replaced by A.
Protein change: p.Trp1675Ter; replaces tryptophan 1675 with a stop codon.
Molecular consequence: nonsense. On other transcripts: non-coding transcript variant (5).
Genome position (GRCh38, 1-based): chr17:50,617,440, G>A. VCF-style: chr17-50617440-G-A. GRCh37 (hg19) VCF-style: chr17-48694801-G-A.
Other names: c.4991G>A, p.Trp1664Ter (NM_001256334.2, NM_198377.3, NM_198378.3 and 1 more transcripts); c.4943G>A, p.Trp1648Ter (NM_001256359.2); c.4916G>A, p.Trp1639Ter (NM_001256360.2); c.4910G>A, p.Trp1637Ter (NM_001256361.2); c.4922G>A, p.Trp1641Ter (NM_198376.3, NM_198379.3, NM_001256329.2 and 2 more transcripts); c.4970G>A, p.Trp1657Ter (NM_001256324.2, NM_001256328.2, NM_198386.3); c.5045G>A, p.Trp1682Ter (NM_001256325.2); c.4889G>A, p.Trp1630Ter (NM_001256326.2, NM_001256330.2); and 5 more; short protein forms W1652*, W1682*, W1648*, W1657*, W1664*, W1623*, W1630*, W1634*.
Identifiers: ClinVar variation 4088016 (VCV004088016.1).